The following is an entry in ClinVar:

ClinVar aggregate classification (germline): Likely benign. Review status: criteria provided, single submitter (1 of 4 stars). 2 submissions from 2 submitters: Likely benign (1). 1 of the submissions does not count toward it. Last evaluated 2026-07-01.

Conditions:
MAPK8IP3-related disorder. Also called: MAPK8IP3-related condition.

Allele frequency attached by ClinVar (database versions not stated): gnomAD 0.00006; TOPMed 0.00006; ExAC 0.00013; ESP Exome Variant Server 0.00016.
gnomAD v4.1: 173 of 1,564,260 alleles (0.011%); highest among the groups gnomAD compares: Non-Finnish European, 0.014%; 1 homozygote.

Submissions (2):

CeGaT Center for Human Genetics Tuebingen
Classification: Likely benign. Last evaluated: 2026-07-01. Review status: criteria provided, single submitter. Criteria: CeGaT Center For Human Genetics Tuebingen Variant Classification Criteria Version 2. Collection method: clinical testing. Allele origin: germline. Affected: yes. Observed: 2 variant alleles.
Comment: MAPK8IP3: BP4, BP7

PreventionGenetics, part of Exact Sciences
Classification: Likely benign for MAPK8IP3-related condition. Last evaluated: 2021-10-04. Review status: no assertion criteria provided. Collection method: clinical testing. Allele origin: germline. Not counted in ClinVar's aggregate classification.
Comment: This variant is classified as likely benign based on ACMG/AMP sequence variant interpretation guidelines (Richards et al. 2015 PMID: 25741868, with internal and published modifications).

NM_001318852.2(MAPK8IP3):c.1692C>T (p.Ser564=)

Gene: MAPK8IP3 (mitogen-activated protein kinase 8 interacting protein 3; plus strand). Cytogenetic location: 16p13.3.
Variant type: single nucleotide variant.
Coding change: c.1692C>T on transcript NM_001318852.2 (MANE Select); coding-DNA position 1692, C replaced by T.
Protein change: p.Ser564=; no amino-acid change (serine 564 retained).
Molecular consequence: synonymous variant.
Genome position (GRCh38, 1-based): chr16:1,762,696, C>T. VCF-style: chr16-1762696-C-T. GRCh37 (hg19) VCF-style: chr16-1812697-C-T.
Other names: c.1671C>T, p.Ser557= (NM_001040439.2); c.1689C>T, p.Ser563= (NM_015133.5, NM_033392.3); c.1692C>T (NM_001318852.1).
Identifiers: ClinVar variation 2578753 (VCV002578753.25), dbSNP rs370939661, ClinGen allele CA7816977.